The following is an entry in ClinVar:

ClinVar aggregate classification (germline): Uncertain significance. Review status: criteria provided, multiple submitters, no conflicts (2 of 4 stars). 3 submissions from 3 submitters: Uncertain significance (3). Last evaluated 2025-08-17.

Allele frequency attached by ClinVar (database versions not stated): ExAC 0.00009; TOPMed 0.00012; gnomAD 0.00013 and 0.00014; gnomAD exomes 0.00013; ESP Exome Variant Server 0.00023.
gnomAD v4.1: 185 of 1,614,050 alleles (0.011%); highest among the groups gnomAD compares: Non-Finnish European, 0.013%; no homozygotes.

Submissions (3):

Labcorp Genetics (formerly Invitae), Labcorp
Classification: Uncertain significance. Last evaluated: 2025-08-17. Review status: criteria provided, single submitter. Criteria: Invitae Variant Classification Sherloc (09022015). Collection method: clinical testing. Allele origin: germline.
Comment: This sequence change replaces phenylalanine, which is neutral and non-polar, with leucine, which is neutral and non-polar, at codon 213 of the SLC7A14 protein (p.Phe213Leu). This variant is present in population databases (rs371437823, gnomAD 0.03%). This variant has not been reported in the literature in individuals affected with SLC7A14-related conditions. ClinVar contains an entry for this variant (Variation ID: 1014114). An algorithm developed to predict the effect of missense changes on protein structure and function outputs the following: PolyPhen-2: "Benign". The leucine amino acid residue is found in multiple mammalian species, which suggests that this missense change does not adversely affect protein function. In summary, the available evidence is currently insufficient to determine the role of this variant in disease. Therefore, it has been classified as a Variant of Uncertain Significance.

Blueprint Genetics
Classification: Uncertain significance. Last evaluated: 2024-06-19. Review status: criteria provided, single submitter. Criteria: ACMG Guidelines, 2015. Collection method: clinical testing. Allele origin: germline.

Ambry Genetics
Classification: Uncertain significance. Last evaluated: 2024-04-29. Review status: criteria provided, single submitter. Criteria: Ambry Variant Classification Scheme 2023. Collection method: clinical testing. Allele origin: germline.

NM_020949.3(SLC7A14):c.639C>A (p.Phe213Leu)

Genes: SLC7A14 (solute carrier family 7 member 14; minus strand), SLC7A14-AS1 (SLC7A14 antisense RNA 1; plus strand). Cytogenetic location: 3q26.2.
Variant type: single nucleotide variant.
Coding change: c.639C>A on transcript NM_020949.3 (MANE Select); coding-DNA position 639, C replaced by A.
Protein change: p.Phe213Leu; replaces phenylalanine 213 with leucine.
Molecular consequence: missense variant.
Genome position (GRCh38, 1-based): chr3:170,498,787, G>T on the plus strand (C>A on the coding strand, the complement: SLC7A14 is on the minus strand). VCF-style: chr3-170498787-G-T. GRCh37 (hg19) VCF-style: chr3-170216576-G-T.
Other names: c.639C>A (NM_020949.2); short protein forms F213L.
Identifiers: ClinVar variation 1014114 (VCV001014114.8), dbSNP rs371437823, ClinGen allele CA2701866.
Genomic context (GRCh38, chr3:170,498,787, plus strand): 5'-GAGGCCTGCGATCATGATGAACACCCATACTGCCAGGTTCAGCACATTGAGAACATTGTT[G>T]AAGCCTATGGAATTCTTCACCCCCAGAGCAACAATGATGGTCACGATGACCGCGATCAAC-3'
Protein context (NP_066000.2, residues 203-223): VALGVKNSIG[Phe213Leu]NNVLNVLNLA